The following is an entry in ClinVar:

NM_000553.6(WRN):c.1424T>C (p.Met475Thr)

Gene: WRN (WRN RecQ like helicase; plus strand). Cytogenetic location: 8p12.
Variant type: single nucleotide variant.
Coding change: c.1424T>C on transcript NM_000553.6 (MANE Select); coding-DNA position 1424, T replaced by C.
Protein change: p.Met475Thr; replaces methionine 475 with threonine.
Molecular consequence: missense variant.
Genome position (GRCh38, 1-based): chr8:31,085,239, T>C. VCF-style: chr8-31085239-T-C. GRCh37 (hg19) VCF-style: chr8-30942755-T-C.
Other names: short protein forms M475T.
Identifiers: ClinVar variation 854330 (VCV000854330.7), dbSNP rs140666473, ClinGen allele CA174861504.

ClinVar aggregate classification (germline): Uncertain significance. Review status: criteria provided, multiple submitters, no conflicts (2 of 4 stars). 3 submissions from 3 submitters: Uncertain significance (3). Last evaluated 2025-04-01.

Conditions:
Inborn genetic diseases. Identifiers: MedGen C0950123, MeSH D030342.
Werner syndrome (WRN). Identifiers: Orphanet 902, MedGen C0043119, MONDO:0010196, OMIM 277700.

Allele frequency attached by ClinVar (database versions not stated): gnomAD exomes below 0.00001 and 0.00001; gnomAD 0.00004; TOPMed 0.00005; ESP Exome Variant Server 0.00008.
gnomAD v4.1: 9 of 1,612,702 alleles (0.00056%); highest among the groups gnomAD compares: African/African-American, 0.011%; no homozygotes.

Submissions (3):

Ambry Genetics
Classification: Uncertain significance for Inborn genetic diseases. Last evaluated: 2025-04-01. Review status: criteria provided, single submitter. Criteria: Ambry Variant Classification Scheme 2023. Collection method: clinical testing. Allele origin: germline.

Labcorp Genetics (formerly Invitae), Labcorp
Classification: Uncertain significance for Werner syndrome. Last evaluated: 2022-06-29. Review status: criteria provided, single submitter. Criteria: Invitae Variant Classification Sherloc (09022015). Collection method: clinical testing. Allele origin: germline.
Comment: This sequence change replaces methionine, which is neutral and non-polar, with threonine, which is neutral and polar, at codon 475 of the WRN protein (p.Met475Thr). This variant is present in population databases (rs140666473, gnomAD 0.008%). This variant has not been reported in the literature in individuals affected with WRN-related conditions. ClinVar contains an entry for this variant (Variation ID: 854330). Algorithms developed to predict the effect of missense changes on protein structure and function are either unavailable or do not agree on the potential impact of this missense change (SIFT: "Not Available"; PolyPhen-2: "Probably Damaging"; Align-GVGD: "Not Available"). In summary, the available evidence is currently insufficient to determine the role of this variant in disease. Therefore, it has been classified as a Variant of Uncertain Significance.

Baylor Genetics
Classification: Uncertain significance for Werner syndrome. Last evaluated: 2020-07-28. Review status: criteria provided, single submitter. Criteria: ACMG Guidelines, 2015. Collection method: clinical testing. Allele origin: unknown. Affected: yes. Study: CSER-TexasKidsCanSeq.
Comment: This variant was determined to be of uncertain significance according to ACMG Guidelines, 2015 [PMID:25741868].